The following is an entry in ClinVar:

NM_001130144.3(LTBP3):c.3833G>A (p.Gly1278Asp)

Genes: LTBP3 (latent transforming growth factor beta binding protein 3; minus strand), SCYL1 (SCY1 like pseudokinase 1; plus strand). Cytogenetic location: 11q13.1.
Variant type: single nucleotide variant.
Coding change: c.3833G>A on transcript NM_001130144.3 (MANE Select); coding-DNA position 3833, G replaced by A.
Protein change: p.Gly1278Asp; replaces glycine 1278 with aspartic acid.
Molecular consequence: missense variant.
Genome position (GRCh38, 1-based): chr11:65,539,159, C>T on the plus strand (G>A on the coding strand, the complement: LTBP3 is on the minus strand). VCF-style: chr11-65539159-C-T. GRCh37 (hg19) VCF-style: chr11-65306630-C-T.
Other names: c.3341G>A, p.Gly1114Asp (NM_001164266.1); c.3692G>A, p.Gly1231Asp (NM_021070.4); short protein forms G1114D, G1231D, G1278D.
Identifiers: ClinVar variation 3903047 (VCV003903047.2).

ClinVar aggregate classification (germline): Uncertain significance. Review status: criteria provided, multiple submitters, no conflicts (2 of 4 stars). 2 submissions from 2 submitters: Uncertain significance (2). Last evaluated 2026-02-04.

Conditions:
Brachyolmia-amelogenesis imperfecta syndrome. Also called: PLATYSPONDYLY WITH AMELOGENESIS IMPERFECTA; Tooth agenesis, selective, 6; Dental anomalies and short stature. Identifiers: Orphanet 2899, MedGen C1832594, MONDO:0011018, OMIM 601216. Disease mechanism: loss of function.

Submissions (2):

Labcorp Genetics (formerly Invitae), Labcorp
Classification: Uncertain significance for Brachyolmia-amelogenesis imperfecta syndrome. Last evaluated: 2026-02-04. Review status: criteria provided, single submitter. Criteria: Invitae Variant Classification Sherloc (09022015). Collection method: clinical testing. Allele origin: germline.
Comment: This sequence change replaces glycine, which is neutral and non-polar, with aspartic acid, which is acidic and polar, at codon 1278 of the LTBP3 protein (p.Gly1278Asp). This variant is not present in population databases (gnomAD no frequency). This variant has not been reported in the literature in individuals affected with LTBP3-related conditions. ClinVar contains an entry for this variant (Variation ID: 3903047). An algorithm developed to predict the effect of missense changes on protein structure and function (PolyPhen-2) suggests that this variant is likely to be disruptive. In summary, the available evidence is currently insufficient to determine the role of this variant in disease. Therefore, it has been classified as a Variant of Uncertain Significance.

GeneDx
Classification: Uncertain significance. Last evaluated: 2024-12-12. Review status: criteria provided, single submitter. Criteria: GeneDx Variant Classification Process June 2021. Collection method: clinical testing. Allele origin: germline. Affected: yes.
Comment: Not observed at significant frequency in large population cohorts (gnomAD); In silico analysis supports that this missense variant has a deleterious effect on protein structure/function; Has not been previously published as pathogenic or benign to our knowledge